The following is an entry in ClinVar:

NM_001378454.1(ALMS1):c.5761T>G (p.Phe1921Val)

Gene: ALMS1 (ALMS1 centrosome and basal body associated protein; plus strand). Cytogenetic location: 2p13.1.
Variant type: single nucleotide variant.
Coding change: c.5761T>G on transcript NM_001378454.1 (MANE Select); coding-DNA position 5761, T replaced by G.
Protein change: p.Phe1921Val; replaces phenylalanine 1921 with valine.
Molecular consequence: missense variant.
Genome position (GRCh38, 1-based): chr2:73,452,288, T>G. VCF-style: chr2-73452288-T-G. GRCh37 (hg19) VCF-style: chr2-73679415-T-G.
Other names: c.5764T>G, p.Phe1922Val (NM_015120.4); short protein forms F1922V, F1921V.
Identifiers: ClinVar variation 550074 (VCV000550074.5), dbSNP rs545488125, ClinGen allele CA50396999.

ClinVar aggregate classification (germline): Uncertain significance. Review status: criteria provided, single submitter (1 of 4 stars). 2 submissions from 2 submitters: Uncertain significance (1). 1 of the submissions does not count toward it. Last evaluated 2023-03-09.

Conditions:
Alstrom syndrome (ALMS). Identifiers: Orphanet 64, MedGen C0268425, MONDO:0008763, OMIM 203800.

Allele frequency attached by ClinVar (database versions not stated): gnomAD exomes below 0.00001; gnomAD 0.00001; TOPMed 0.00001.
gnomAD v4.1: 5 of 1,613,896 alleles (0.00031%); highest among the groups gnomAD compares: African/African-American, 0.0013%; no homozygotes.

Submissions (2):

Labcorp Genetics (formerly Invitae), Labcorp
Classification: Uncertain significance for Alstrom syndrome. Last evaluated: 2023-03-09. Review status: criteria provided, single submitter. Criteria: Invitae Variant Classification Sherloc (09022015). Collection method: clinical testing. Allele origin: germline.
Comment: This sequence change replaces phenylalanine, which is neutral and non-polar, with valine, which is neutral and non-polar, at codon 1922 of the ALMS1 protein (p.Phe1922Val). This variant is not present in population databases (gnomAD no frequency). This variant has not been reported in the literature in individuals affected with ALMS1-related conditions. ClinVar contains an entry for this variant (Variation ID: 550074). Experimental studies and prediction algorithms are not available or were not evaluated, and the functional significance of this variant is currently unknown. In summary, the available evidence is currently insufficient to determine the role of this variant in disease. Therefore, it has been classified as a Variant of Uncertain Significance.

Counsyl
Classification: Uncertain significance for Alstrom syndrome. Last evaluated: 2017-01-05. Review status: no assertion criteria provided. Collection method: clinical testing. Allele origin: unknown. Not counted in ClinVar's aggregate classification.